The following is an entry in ClinVar:

NM_016222.4(DDX41):c.994A>G (p.Met332Val)

Gene: DDX41 (DEAD-box helicase 41; minus strand). Cytogenetic location: 5q35.3.
Variant type: single nucleotide variant.
Coding change: c.994A>G on transcript NM_016222.4 (MANE Select); coding-DNA position 994, A replaced by G.
Protein change: p.Met332Val; replaces methionine 332 with valine.
Molecular consequence: missense variant.
Genome position (GRCh38, 1-based): chr5:177,513,789, T>C on the plus strand (A>G on the coding strand, the complement: DDX41 is on the minus strand). VCF-style: chr5-177513789-T-C. GRCh37 (hg19) VCF-style: chr5-176940790-T-C.
Other names: c.616A>G, p.Met206Val (NM_001321732.2, NM_001321830.2); short protein forms M206V, M332V.
Identifiers: ClinVar variation 3500511 (VCV003500511.1).

ClinVar aggregate classification (germline): Uncertain significance (1 of 4 stars; one submission).

Conditions:
Inborn genetic diseases. Identifiers: MedGen C0950123, MeSH D030342.

gnomAD v4.1: 1 of 1,613,766 alleles (0.000062%); highest among the groups gnomAD compares: Non-Finnish European, 0.000085%; no homozygotes.

Submission:

Ambry Genetics
Classification: Uncertain significance for Inborn genetic diseases. Last evaluated: 2024-11-20. Review status: criteria provided, single submitter. Criteria: Ambry Variant Classification Scheme 2023. Collection method: clinical testing. Allele origin: germline.
Comment: The p.M332V variant (also known as c.994A>G), located in coding exon 10 of the DDX41 gene, results from an A to G substitution at nucleotide position 994. The methionine at codon 332 is replaced by valine, an amino acid with highly similar properties. This amino acid position is conserved. In addition, this alteration is predicted to be tolerated by in silico analysis. Based on the available evidence, the clinical significance of this variant remains unclear.